The following is an entry in ClinVar:

NM_001171.6(ABCC6):c.2086G>A (p.Val696Met)

Gene: ABCC6 (ATP binding cassette subfamily C member 6; minus strand). Cytogenetic location: 16p13.11.
Variant type: single nucleotide variant.
Coding change: c.2086G>A on transcript NM_001171.6 (MANE Select); coding-DNA position 2086, G replaced by A.
Protein change: p.Val696Met; replaces valine 696 with methionine.
Molecular consequence: missense variant. On other transcripts: non-coding transcript variant (1).
Genome position (GRCh38, 1-based): chr16:16,182,573, C>T on the plus strand (G>A on the coding strand, the complement: ABCC6 is on the minus strand). VCF-style: chr16-16182573-C-T. GRCh37 (hg19) VCF-style: chr16-16276430-C-T.
Other names: c.1744G>A, p.Val582Met (NM_001351800.1); short protein forms V696M, V582M.
Identifiers: ClinVar variation 1446784 (VCV001446784.9), dbSNP rs143731811, ClinGen allele CA7926015.
Genomic context (GRCh38, chr16:16,182,573, plus strand): 5'-CCTGCCCGAAGCACACATTCTCTACCACAGAGGTGTTCTGCACCCAGGCCTCCTGGGGCA[C>T]GTAGGCCACAGCACCCTAAAACACAACTTACTTTGGTCACAGGAGGATGATGGGGACAGA-3'
Protein context (NP_001162.5, residues 686-706): FVSIEGAVAY[Val696Met]PQEAWVQNTS

ClinVar aggregate classification (germline): Conflicting classifications of pathogenicity. Review status: criteria provided, conflicting classifications (1 of 4 stars). 3 submissions from 3 submitters: Uncertain significance (2); Likely benign (1). Last evaluated 2025-01-13.

Conditions:
Autosomal recessive inherited pseudoxanthoma elasticum (PXE). Identifiers: Orphanet 758, MedGen CN032334, MONDO:0009925, OMIM 264800.
Pseudoxanthoma elasticum, forme fruste. Also called: PSEUDOXANTHOMA ELASTICUM, HETEROZYGOUS; Pseudoxanthoma Elasticum, Incomplete. Identifiers: Orphanet 758, MedGen C1867450, MONDO:0008333, OMIM 177850.
Arterial calcification, generalized, of infancy, 2. Identifiers: Orphanet 51608, MedGen C3276161, MONDO:0013768, OMIM 614473.

Allele frequency attached by ClinVar (database versions not stated): gnomAD 0.00001; ExAC 0.00003; ESP Exome Variant Server 0.00008.
gnomAD v4.1: 69 of 1,612,592 alleles (0.0043%); highest among the groups gnomAD compares: Admixed American, 0.0083%; 1 homozygote.

Submissions (3):

Labcorp Genetics (formerly Invitae), Labcorp
Classification: Uncertain significance. Last evaluated: 2025-01-13. Review status: criteria provided, single submitter. Criteria: Invitae Variant Classification Sherloc (09022015). Collection method: clinical testing. Allele origin: germline.
Comment: This sequence change replaces valine, which is neutral and non-polar, with methionine, which is neutral and non-polar, at codon 696 of the ABCC6 protein (p.Val696Met). This variant is present in population databases (rs143731811, gnomAD 0.01%). This variant has not been reported in the literature in individuals affected with ABCC6-related conditions. ClinVar contains an entry for this variant (Variation ID: 1446784). Invitae Evidence Modeling of protein sequence and biophysical properties (such as structural, functional, and spatial information, amino acid conservation, physicochemical variation, residue mobility, and thermodynamic stability) indicates that this missense variant is expected to disrupt ABCC6 protein function with a positive predictive value of 95%. In summary, the available evidence is currently insufficient to determine the role of this variant in disease. Therefore, it has been classified as a Variant of Uncertain Significance.

Blueprint Genetics
Classification: Likely benign. Last evaluated: 2023-04-06. Review status: criteria provided, single submitter. Criteria: ACMG Guidelines, 2015. Collection method: clinical testing. Allele origin: germline.

Fulgent Genetics
Classification: Uncertain significance for Pseudoxanthoma elasticum, forme fruste; Autosomal recessive inherited pseudoxanthoma elasticum; Arterial calcification, generalized, of infancy, 2. Last evaluated: 2022-03-04. Review status: criteria provided, single submitter. Criteria: ACMG Guidelines, 2015. Collection method: clinical testing. Allele origin: unknown.